The following is an entry in ClinVar:

NM_020376.4(PNPLA2):c.260C>T (p.Ser87Phe)

Gene: PNPLA2 (patatin like domain 2, triacylglycerol lipase; plus strand). Cytogenetic location: 11p15.5.
Variant type: single nucleotide variant.
Coding change: c.260C>T on transcript NM_020376.4 (MANE Select); coding-DNA position 260, C replaced by T.
Protein change: p.Ser87Phe; replaces serine 87 with phenylalanine.
Molecular consequence: missense variant.
Genome position (GRCh38, 1-based): chr11:821,700, C>T. VCF-style: chr11-821700-C-T. GRCh37 (hg19) VCF-style: chr11-821700-C-T.
Other names: short protein forms S87F.
Identifiers: ClinVar variation 2435106 (VCV002435106.4), dbSNP rs1400446569, ClinGen allele CA378978149.

ClinVar aggregate classification (germline): Uncertain significance. Review status: criteria provided, multiple submitters, no conflicts (2 of 4 stars). 2 submissions from 2 submitters: Uncertain significance (2). Last evaluated 2025-09-01.

Conditions:
Neutral lipid storage myopathy (NLSDM). Also called: NEUTRAL LIPID STORAGE DISEASE WITHOUT ICHTHYOSIS. Identifiers: Orphanet 98908, MedGen C1853136, MONDO:0012545, OMIM 610717.

Allele frequency attached by ClinVar (database versions not stated): gnomAD exomes below 0.00001; gnomAD 0.00001; TOPMed 0.00002.
gnomAD v4.1: 3 of 1,613,864 alleles (0.00019%); highest among the groups gnomAD compares: Admixed American, 0.0017%; no homozygotes.

Submissions (2):

Labcorp Genetics (formerly Invitae), Labcorp
Classification: Uncertain significance for Neutral lipid storage myopathy. Last evaluated: 2025-09-01. Review status: criteria provided, single submitter. Criteria: Invitae Variant Classification Sherloc (09022015). Collection method: clinical testing. Allele origin: germline.
Comment: This sequence change replaces serine, which is neutral and polar, with phenylalanine, which is neutral and non-polar, at codon 87 of the PNPLA2 protein (p.Ser87Phe). This variant is present in population databases (no rsID available, gnomAD 0.0009%). This variant has not been reported in the literature in individuals affected with PNPLA2-related conditions. ClinVar contains an entry for this variant (Variation ID: 2435106). Invitae Evidence Modeling of protein sequence and biophysical properties (such as structural, functional, and spatial information, amino acid conservation, physicochemical variation, residue mobility, and thermodynamic stability) indicates that this missense variant is not expected to disrupt PNPLA2 protein function with a negative predictive value of 80%. In summary, the available evidence is currently insufficient to determine the role of this variant in disease. Therefore, it has been classified as a Variant of Uncertain Significance.

Revvity Omics, Revvity
Classification: Uncertain significance for Neutral lipid storage myopathy. Last evaluated: 2019-03-08. Review status: criteria provided, single submitter. Criteria: ACMG Guidelines, 2015. Collection method: clinical testing. Allele origin: germline.